The following is an entry in ClinVar:

NM_002518.4(NPAS2):c.1653_1664dup (p.Ser554_Phe555insLeuSerLeuSer)

Gene: NPAS2 (neuronal PAS domain protein 2; plus strand). Cytogenetic location: 2q11.2.
Variant type: Duplication.
Coding change: c.1653_1664dup on transcript NM_002518.4 (MANE Select); coding-DNA positions 1653 to 1664, 12 bases duplicated (ATCCCTGAGCTT).
Protein change: p.Ser554_Phe555insLeuSerLeuSer.
Molecular consequence: inframe insertion.
Genome position (GRCh38, 1-based): chr2:100,988,102-100,988,113, ATCCCTGAGCTT duplicated; duplicating any 12 consecutive bases within chr2:100,988,101-100,988,113 gives the same sequence; the c. name uses the placement nearest the transcript's 3' end. VCF-style (leftmost placement, unchanged base first): chr2-100988100-G-GTATCCCTGAGCT. GRCh37 (hg19) VCF-style: chr2-101604562-G-GTATCCCTGAGCT.
Identifiers: ClinVar variation 4993171 (VCV004993171.1).
Genomic context (GRCh38, chr2:100,988,100, plus strand): 5'-ATGACCCCAACTTCACAGGCATTTCTATTCTGCTCCCAGATGTTCCTGCAGCAGCCAGCT[G>GTATCCCTGAGCT]TATCCCTGAGCTTCAGCAGCACCCAGCGACCTGAGGCTCAGCAGCAGCTACAGCAAAGGT-3'

ClinVar aggregate classification (germline): Uncertain significance (1 of 4 stars; one submission).

Conditions:
NPAS2-related disorder. Also called: NPAS2-related condition.

Submission:

PreventionGenetics, part of Exact Sciences
Classification: Uncertain significance for NPAS2-related condition. Last evaluated: 2026-09-17. Review status: criteria provided, single submitter. Criteria: ACMG Guidelines, 2015. Collection method: clinical testing. Allele origin: germline.
Comment: The NPAS2 c.1653_1664dup12 variant is predicted to result in an in-frame duplication (p.Ser554_Phe555insLeuSerLeuSer). To our knowledge, this variant has not been reported in the literature or in a large population database (gnomAD), indicating this variant is rare. At this time, the clinical significance of this variant is uncertain due to the absence of conclusive functional and genetic evidence.